The following is an entry in ClinVar:

ClinVar aggregate classification (germline): not provided (0 of 4 stars; one submission).

Submission:

Human Evolutionary Genetics, Institut Pasteur
No classification provided. Review status: no classification provided. Collection method: not provided. Allele origin: germline.
ClinVar note: Converted during submission from untested to not provided.

NM_001384950.1(NLRC5):c.4752-73G>A

Gene: NLRC5 (NLR family CARD domain containing 5; plus strand). Cytogenetic location: 16q13.
Variant type: single nucleotide variant.
Coding change: c.4752-73G>A on transcript NM_001384950.1 (MANE Select); 73 bases into the intron before coding-DNA position 4752, G replaced by A.
Molecular consequence: intron variant.
Genome position (GRCh38, 1-based): chr16:57,076,746, G>A. VCF-style: chr16-57076746-G-A. GRCh37 (hg19) VCF-style: chr16-57110658-G-A.
Other names: c.4668-73G>A (NM_001384954.1); c.4749-73G>A (NM_001384953.1, NM_001384952.1); c.4662-73G>A (NM_001384957.1); c.4665-73G>A (NM_001384956.1, NM_001384951.1, NM_001384955.1 and 1 more transcripts); c.4575-73G>A (NM_001384959.1); c.4752-73G>A (NM_032206.5); c.4578-73G>A (NM_001384958.1); c.4575-550G>A (NM_001384960.1).
Identifiers: ClinVar variation 103199 (VCV000103199.2), dbSNP rs199476011, ClinGen allele CA230248.